The following is an entry in ClinVar:

ClinVar aggregate classification (germline): Uncertain significance. Review status: reviewed by expert panel (3 of 4 stars). 3 submissions from 3 submitters: Uncertain significance (1). 2 of the submissions do not count toward it. Last evaluated 2025-10-16.

Conditions:
Very long chain acyl-CoA dehydrogenase deficiency (ACADVLD). Also called: Very Long-Chain Acyl-Coenzyme A Dehydrogenase Deficiency; VLCAD Deficiency. Identifiers: Orphanet 26793, MedGen C3887523, MONDO:0008723, OMIM 201475.

Submissions (3):

ClinGen ACADVL Variant Curation Expert Panel, ClinGen
Classification: Uncertain significance for Very long chain acyl-CoA dehydrogenase deficiency. Last evaluated: 2025-10-16. Review status: reviewed by expert panel. Criteria: clingen acadvl acmg specifications v1. Collection method: curation. Allele origin: germline. Inheritance: Autosomal recessive inheritance.
Comment: The c.428G>C variant in ACADVL is a missense variant predicted to cause substitution of Glycine by Alanine at amino acid 143 (p.Gly143Ala). This variant is absent from gnomAD v[4.1.0] (PM2_Supporting). The computational predictor REVEL gives a score of [0.891], which is above the threshold of 0.75, evidence that correlates with impact to ACADVL function (PP3). In summary, this variant meets the criteria to be classified as a Variant of Uncertain Significance for autosomal recessive very long chain acyl-CoA dehydrogenase (VLCAD) deficiency based on the ACMG/AMP criteria applied, as specified by the ClinGen ACADVL Variant Curation Expert Panel: PM2_Supporting, PP3 (ACADVL VCEP specifications version 2; approved May 1, 2025).

Genomic Medicine Center of Excellence, King Faisal Specialist Hospital and Research Centre
Classification: Likely pathogenic for Very long chain acyl-CoA dehydrogenase deficiency. Last evaluated: 2024-12-19. Review status: criteria provided, single submitter. Criteria: ACMG Guidelines, 2015. Collection method: clinical testing. Allele origin: germline. Not counted in ClinVar's aggregate classification.

Wong Mito Lab, Molecular and Human Genetics, Baylor College of Medicine
Classification: Uncertain significance for Very long chain acyl-CoA dehydrogenase deficiency. Last evaluated: 2019-11-01. Review status: criteria provided, single submitter. Criteria: ACMG Guidelines, 2015. Collection method: clinical testing. Allele origin: germline. Not counted in ClinVar's aggregate classification.
Comment: The NM_000018.3:c.428G>C (NP_000009.1:p.Gly143Ala) [GRCH38: NC_000017.11:g.7221009G>C] variant in ACADVL gene is interpretated to be Uncertain Significance based on ACMG guidelines (PMID: 25741868). This variant has been reported. This variant meets the following evidence codes reported in the ACMG guidelines: PP3

NM_000018.4(ACADVL):c.428G>C (p.Gly143Ala)

Gene: ACADVL (acyl-CoA dehydrogenase very long chain; plus strand). Cytogenetic location: 17p13.1.
Variant type: single nucleotide variant.
Coding change: c.428G>C on transcript NM_000018.4 (MANE Select); coding-DNA position 428, G replaced by C.
Protein change: p.Gly143Ala; replaces glycine 143 with alanine.
Molecular consequence: missense variant.
Genome position (GRCh38, 1-based): chr17:7,221,009, G>C. VCF-style: chr17-7221009-G-C. GRCh37 (hg19) VCF-style: chr17-7124328-G-C.
Other names: NM_000018.4(ACADVL):c.428G>C; p.Gly143Ala; c.362G>C, p.Gly121Ala (NM_001033859.3); c.497G>C, p.Gly166Ala (NM_001270447.2); c.200G>C, p.Gly67Ala (NM_001270448.2); short protein forms G143A, G67A, G121A, G166A.
Identifiers: ClinVar variation 932855 (VCV000932855.4), dbSNP rs1458941582, ClinGen allele CA397722885.